The following is an entry in ClinVar:

NM_182914.3(SYNE2):c.5534A>G (p.Lys1845Arg)

Gene: SYNE2 (spectrin repeat containing nuclear envelope protein 2; plus strand). Cytogenetic location: 14q23.2.
Variant type: single nucleotide variant.
Coding change: c.5534A>G on transcript NM_182914.3 (MANE Select); coding-DNA position 5534, A replaced by G.
Protein change: p.Lys1845Arg; replaces lysine 1845 with arginine.
Molecular consequence: missense variant.
Genome position (GRCh38, 1-based): chr14:64,022,760, A>G. VCF-style: chr14-64022760-A-G. GRCh37 (hg19) VCF-style: chr14-64489478-A-G.
Other names: c.5534A>G, p.Lys1845Arg (NM_015180.6); short protein forms K1845R.
Identifiers: ClinVar variation 313515 (VCV000313515.18), dbSNP rs76634907, ClinGen allele CA7220499.

ClinVar aggregate classification (germline): Benign/Likely benign. Review status: criteria provided, multiple submitters, no conflicts (2 of 4 stars). 3 submissions from 3 submitters: Benign (2); Likely benign (1). Last evaluated 2025-12-03.

Conditions:
Emery-Dreifuss muscular dystrophy 5, autosomal dominant (EDMD5). Also called: EMERY-DREIFUSS MUSCULAR DYSTROPHY 5. Identifiers: Orphanet 261, MedGen C2751805, MONDO:0013072, OMIM 612999.

Allele frequency attached by ClinVar (database versions not stated): gnomAD exomes 0.00020 and 0.00098; gnomAD 0.00032 and 0.00042; TOPMed 0.00050; ExAC 0.00108; 1000 Genomes Project 30x 0.00281; 1000 Genomes Project 0.00300.
gnomAD v4.1: 378 of 1,587,300 alleles (0.024%); highest among the groups gnomAD compares: East Asian, 0.75%; 2 homozygotes.

Submissions (5):

Labcorp Genetics (formerly Invitae), Labcorp
Classification: Benign for Emery-Dreifuss muscular dystrophy 5, autosomal dominant. Last evaluated: 2025-12-03. Review status: criteria provided, single submitter. Criteria: Invitae Variant Classification Sherloc (09022015). Collection method: clinical testing. Allele origin: germline.

Blueprint Genetics
Classification: Likely benign. Last evaluated: 2024-08-30. Review status: criteria provided, single submitter. Criteria: ACMG Guidelines, 2015. Collection method: clinical testing. Allele origin: germline.

Illumina Laboratory Services, Illumina
Classification: Benign for Emery-Dreifuss muscular dystrophy 5, autosomal dominant. Last evaluated: 2018-01-13. Review status: criteria provided, single submitter. Criteria: ICSL Variant Classification Criteria 13 December 2019. Collection method: clinical testing. Allele origin: germline.
Comment: This variant was observed in the ICSL laboratory as part of a predisposition screen in an ostensibly healthy population. It had not been previously curated by ICSL or reported in the Human Gene Mutation Database (HGMD: prior to June 1st, 2018), and was therefore a candidate for classification through an automated scoring system. Utilizing variant allele frequency, disease prevalence and penetrance estimates, and inheritance mode, an automated score was calculated to assess if this variant is too frequent to cause the disease. Based on the score and internal cut-off values, a variant classified as benign is not then subjected to further curation. The score for this variant resulted in a classification of benign for this disease.

Dr. Peter K. Rogan Lab, Western University
No classification provided (evidence only). Condition: Malignant tumor of esophagus. Review status: no classification provided. Collection method: in vitro. Allele origin: not applicable. Functional consequence: skipped exon, retained intron. Not counted in ClinVar's aggregate classification.

Dr. Peter K. Rogan Lab, Western University
No classification provided (evidence only). Condition: Malignant tumor of esophagus. Review status: no classification provided. Collection method: in vitro. Allele origin: not applicable. Functional consequence: skipped exon. Not counted in ClinVar's aggregate classification.